The following is an entry in ClinVar:

NM_001182.5(ALDH7A1):c.1008+1G>A

Gene: ALDH7A1 (aldehyde dehydrogenase 7 family member A1; minus strand). Cytogenetic location: 5q23.2.
Variant type: single nucleotide variant.
Coding change: c.1008+1G>A on transcript NM_001182.5 (MANE Select); the canonical splice donor site of the intron after coding-DNA position 1008, G replaced by A.
Molecular consequence: splice donor variant.
Genome position (GRCh38, 1-based): chr5:126,559,239, C>T on the plus strand (G>A on the coding strand, the complement: ALDH7A1 is on the minus strand). VCF-style: chr5-126559239-C-T. GRCh37 (hg19) VCF-style: chr5-125894931-C-T.
Other names: c.1008+1G>A (NM_001202404.2); c.924+1G>A (NM_001201377.2).
Identifiers: ClinVar variation 856181 (VCV000856181.13), dbSNP rs1482167835, ClinGen allele CA360726537.

ClinVar aggregate classification (germline): Pathogenic. Review status: criteria provided, multiple submitters, no conflicts (2 of 4 stars). 2 submissions from 2 submitters: Pathogenic (2). Last evaluated 2025-12-30.

Conditions:
Pyridoxine-dependent epilepsy (EPEO4). Also called: PYRIDOXINE DEPENDENCY WITH SEIZURES; Pyridoxine-Dependent Seizures; Pyridoxine-Dependent Epilepsy - ALDH7A1; EPILEPSY, EARLY-ONSET, 4, VITAMIN B6-DEPENDENT. Identifiers: Orphanet 3006, MedGen C1849508, MONDO:0009945, OMIM 266100. Disease mechanism: loss of function.

Allele frequency attached by ClinVar (database versions not stated): gnomAD 0.00001; gnomAD exomes 0.00001 and below 0.00001; TOPMed 0.00001.
gnomAD v4.1: 2 of 1,613,158 alleles (0.00012%); highest among the groups gnomAD compares: East Asian, 0.0022%; no homozygotes.

Submissions (2):

Labcorp Genetics (formerly Invitae), Labcorp
Classification: Pathogenic for Pyridoxine-dependent epilepsy. Last evaluated: 2025-12-30. Review status: criteria provided, single submitter. Criteria: Invitae Variant Classification Sherloc (09022015). Collection method: clinical testing. Allele origin: germline.
Comment: This sequence change affects a donor splice site in intron 11 of the ALDH7A1 gene. It is expected to disrupt RNA splicing. Variants that disrupt the donor or acceptor splice site typically lead to a loss of protein function (PMID: 16199547), and loss-of-function variants in ALDH7A1 are known to be pathogenic (PMID: 16491085, 20554659). This variant is present in population databases (no rsID available, gnomAD 0.006%). Disruption of this splice site has been observed in individuals with piridoxine-dependent epilepsy (PDE) (PMID: 24664145, 28962114). ClinVar contains an entry for this variant (Variation ID: 856181). Algorithms developed to predict the effect of sequence changes on RNA splicing suggest that this variant may disrupt the consensus splice site. For these reasons, this variant has been classified as Pathogenic.

Juno Genomics, Hangzhou Juno Genomics, Inc
Classification: Pathogenic for Pyridoxine-dependent epilepsy. Review status: criteria provided, single submitter. Criteria: ACMG Guidelines, 2015. Collection method: clinical testing. Allele origin: germline.
Comment: Absent from controls (or at extremely low frequency if recessive) in Genome Aggregation Database.;Null variant in a gene where loss of function (LOF) is a known mechanism of disease.;For recessive disorders, detected in trans with a pathogenic variant.;Patient's phenotype or family history is highly specific for a disease with a single genetic etiology.

Literature cited by the submitters: PubMed 16199547 (cited by Labcorp Genetics (formerly Invitae), Labcorp); PubMed 16491085 (cited by Labcorp Genetics (formerly Invitae), Labcorp); PubMed 20554659 (cited by Labcorp Genetics (formerly Invitae), Labcorp); PubMed 24664145 (cited by Labcorp Genetics (formerly Invitae), Labcorp); PubMed 28962114 (cited by Labcorp Genetics (formerly Invitae), Labcorp).